The following is an entry in ClinVar:

ClinVar aggregate classification (germline): Benign (0 of 4 stars; one submission).

Conditions:
NFKBIL1-related disorder. Also called: NFKBIL1-related condition.

Allele frequency attached by ClinVar (database versions not stated): TOPMed 0.00034; ESP Exome Variant Server 0.00036; 1000 Genomes Project 30x 0.00078; 1000 Genomes Project 0.00100; gnomAD 0.00224; ExAC 0.00243.
gnomAD v4.1: 1,953 of 1,597,688 alleles (0.12%); highest among the groups gnomAD compares: Non-Finnish European, 0.052%; 16 homozygotes.

Submission:

PreventionGenetics, part of Exact Sciences
Classification: Benign for NFKBIL1-related condition. Last evaluated: 2019-06-11. Review status: no assertion criteria provided. Collection method: clinical testing. Allele origin: germline.
Comment: This variant is classified as benign based on ACMG/AMP sequence variant interpretation guidelines (Richards et al. 2015 PMID: 25741868, with internal and published modifications).

NM_005007.4(NFKBIL1):c.752G>A (p.Arg251Gln)

Gene: NFKBIL1 (NFKB inhibitor like 1; plus strand). Cytogenetic location: 6p21.33.
Variant type: single nucleotide variant.
Coding change: c.752G>A on transcript NM_005007.4 (MANE Select); coding-DNA position 752, G replaced by A.
Protein change: p.Arg251Gln; replaces arginine 251 with glutamine.
Molecular consequence: missense variant.
Genome position (GRCh38, 1-based): chr6:31,558,217, G>A. VCF-style: chr6-31558217-G-A. GRCh37 (hg19) VCF-style: chr6-31525994-G-A.
Other names: c.707G>A, p.Arg236Gln (NM_001144961.2); c.683G>A, p.Arg228Gln (NM_001144962.2); c.638G>A, p.Arg213Gln (NM_001144963.2); short protein forms R213Q, R228Q, R236Q, R251Q.
Identifiers: ClinVar variation 3034111 (VCV003034111.2), dbSNP rs149963082, ClinGen allele CA3713702.